The following is an entry in ClinVar:

NM_001257096.2(PAX1):c.698C>T (p.Pro233Leu)

Gene: PAX1 (paired box 1; plus strand). Cytogenetic location: 20p11.22.
Variant type: single nucleotide variant.
Coding change: c.698C>T on transcript NM_001257096.2 (MANE Select); coding-DNA position 698, C replaced by T.
Protein change: p.Pro233Leu; replaces proline 233 with leucine.
Molecular consequence: missense variant.
Genome position (GRCh38, 1-based): chr20:21,706,849, C>T. VCF-style: chr20-21706849-C-T. GRCh37 (hg19) VCF-style: chr20-21687487-C-T.
Other names: c.698C>T, p.Pro233Leu (NM_006192.5); short protein forms P233L.
Identifiers: ClinVar variation 2069377 (VCV002069377.1), dbSNP rs1254928678, ClinGen allele CA408498527.

ClinVar aggregate classification (germline): Uncertain significance (1 of 4 stars; one submission).

Allele frequency attached by ClinVar (database versions not stated): TOPMed 0.00002; gnomAD 0.00004.
gnomAD v4.1: 14 of 1,613,254 alleles (0.00087%); highest among the groups gnomAD compares: African/African-American, 0.011%; no homozygotes.

Submission:

Labcorp Genetics (formerly Invitae), Labcorp
Classification: Uncertain significance. Last evaluated: 2022-05-25. Review status: criteria provided, single submitter. Criteria: Invitae Variant Classification Sherloc (09022015). Collection method: clinical testing. Allele origin: germline.
Comment: This sequence change replaces proline, which is neutral and non-polar, with leucine, which is neutral and non-polar, at codon 233 of the PAX1 protein (p.Pro233Leu). This variant is present in population databases (no rsID available, gnomAD 0.004%). This variant has not been reported in the literature in individuals affected with PAX1-related conditions. Algorithms developed to predict the effect of missense changes on protein structure and function are either unavailable or do not agree on the potential impact of this missense change (SIFT: "Tolerated"; PolyPhen-2: "Probably Damaging"; Align-GVGD: "Class C0"). In summary, the available evidence is currently insufficient to determine the role of this variant in disease. Therefore, it has been classified as a Variant of Uncertain Significance.